The following is an entry in ClinVar:

ClinVar aggregate classification (germline): Uncertain significance. Review status: criteria provided, multiple submitters, no conflicts (2 of 4 stars). 2 submissions from 2 submitters: Uncertain significance (2). Last evaluated 2026-08-01.

Submissions (2):

CeGaT Center for Human Genetics Tuebingen
Classification: Uncertain significance. Last evaluated: 2026-08-01. Review status: criteria provided, single submitter. Criteria: CeGaT Center For Human Genetics Tuebingen Variant Classification Criteria Version 2. Collection method: clinical testing. Allele origin: germline. Affected: yes. Observed: 2 variant alleles.
Comment: KMT2A: PM4:Supporting

Labcorp Genetics (formerly Invitae), Labcorp
Classification: Uncertain significance. Last evaluated: 2024-12-18. Review status: criteria provided, single submitter. Criteria: Invitae Variant Classification Sherloc (09022015). Collection method: clinical testing. Allele origin: germline.
Comment: This variant, c.10813_10815del, results in the deletion of 1 amino acid(s) of the KMT2A protein (p.Lys3605del), but otherwise preserves the integrity of the reading frame. This variant is present in population databases (rs781950432, gnomAD 0.002%). This variant has not been reported in the literature in individuals affected with KMT2A-related conditions. ClinVar contains an entry for this variant (Variation ID: 1400826). Experimental studies and prediction algorithms are not available or were not evaluated, and the functional significance of this variant is currently unknown. In summary, the available evidence is currently insufficient to determine the role of this variant in disease. Therefore, it has been classified as a Variant of Uncertain Significance.

NM_001197104.2(KMT2A):c.10813_10815del (p.Lys3605del)

Gene: KMT2A (lysine methyltransferase 2A; plus strand). Cytogenetic location: 11q23.3.
Variant type: Deletion.
Coding change: c.10813_10815del on transcript NM_001197104.2 (MANE Select); coding-DNA positions 10813 to 10815, 3 bases deleted (AAG; older notation c.10813_10815delAAG).
Protein change: p.Lys3605del; deletes lysine 3605.
Molecular consequence: inframe deletion.
Genome position (GRCh38, 1-based): chr11:118,507,587-118,507,589, AAG deleted; deleting any 3 consecutive bases within chr11:118,507,585-118,507,589 gives the same sequence; the c. name uses the placement nearest the transcript's 3' end. VCF-style (leftmost placement, unchanged base first): chr11-118507584-CAGA-C. GRCh37 (hg19) VCF-style: chr11-118378299-CAGA-C.
Other names: c.10804_10806del, p.Lys3602del (NM_005933.4); short protein forms K3602del, K3605del.
Identifiers: ClinVar variation 1400826 (VCV001400826.28), dbSNP rs781950432, ClinGen allele CA6304830.
Genomic context (GRCh38, chr11:118,507,584, plus strand): 5'-TCCAGGACTCCAGGAGCAGAGGCTGAGCAGCAGGATACAGCTAGCGTGGAGCAGTCCTCC[CAGA>C]AGGAGTGTGGGCAACCTGCAGGGTAAGCTGAAGAATTCGTCTTTTAAGACTAAGCTCTCA-3'